The following is an entry in ClinVar:

ClinVar aggregate classification (germline): Likely benign (0 of 4 stars; one submission).

Conditions:
MLF1-related disorder. Also called: MLF1-related condition.

Allele frequency attached by ClinVar (database versions not stated): gnomAD exomes 0.00001; ExAC 0.00003; ESP Exome Variant Server 0.00008; gnomAD 0.00009; TOPMed 0.00012.
gnomAD v4.1: 21 of 1,612,590 alleles (0.0013%); highest among the groups gnomAD compares: African/African-American, 0.028%; no homozygotes.

Submission:

PreventionGenetics, part of Exact Sciences
Classification: Likely benign for MLF1-related condition. Last evaluated: 2019-03-25. Review status: no assertion criteria provided. Collection method: clinical testing. Allele origin: germline.
Comment: This variant is classified as likely benign based on ACMG/AMP sequence variant interpretation guidelines (Richards et al. 2015 PMID: 25741868, with internal and published modifications).

NM_001369783.1(MLF1):c.614-3T>C

Gene: MLF1 (myeloid leukemia factor 1; plus strand). Cytogenetic location: 3q25.32.
Variant type: single nucleotide variant.
Coding change: c.614-3T>C on transcript NM_001369783.1 (MANE Select); 3 bases into the intron before coding-DNA position 614, T replaced by C.
Molecular consequence: intron variant.
Genome position (GRCh38, 1-based): chr3:158,602,804, T>C. VCF-style: chr3-158602804-T-C. GRCh37 (hg19) VCF-style: chr3-158320593-T-C.
Other names: c.494-3T>C (NM_001378848.1, NM_001378847.1, NM_001130157.3 and 4 more transcripts); c.539-3T>C (NM_001195434.2, NM_001369785.1, NM_001195432.4 and 1 more transcripts); c.365-3T>C (NM_001195433.2); c.494-2293T>C (NM_001378855.1); c.434-3T>C (NM_001369781.1); c.485-3T>C (NM_001378851.1); c.569-3T>C (NM_022443.5, NM_001378845.1); c.569-2293T>C (NM_001378852.1); and 1 more.
Identifiers: ClinVar variation 3058810 (VCV003058810.2), dbSNP rs375333288, ClinGen allele CA2682108.